The following is an entry in ClinVar:

NM_022114.4(PRDM16):c.1000G>A (p.Gly334Ser)

Gene: PRDM16 (PR/SET domain 16; plus strand). Cytogenetic location: 1p36.32.
Variant type: single nucleotide variant.
Coding change: c.1000G>A on transcript NM_022114.4 (MANE Select); coding-DNA position 1000, G replaced by A.
Protein change: p.Gly334Ser; replaces glycine 334 with serine.
Molecular consequence: missense variant.
Genome position (GRCh38, 1-based): chr1:3,404,854, G>A. VCF-style: chr1-3404854-G-A. GRCh37 (hg19) VCF-style: chr1-3321418-G-A.
Other names: c.1000G>A, p.Gly334Ser (NM_199454.3); short protein forms G334S.
Identifiers: ClinVar variation 1310355 (VCV001310355.6), dbSNP rs1382162421, ClinGen allele CA338005014.

ClinVar aggregate classification (germline): Uncertain significance. Review status: criteria provided, multiple submitters, no conflicts (2 of 4 stars). 3 submissions from 3 submitters: Uncertain significance (3). Last evaluated 2023-10-06.

Conditions:
Left ventricular noncompaction 8 (LVNC8). Identifiers: Orphanet 154, Orphanet 54260, MedGen C3809288, MONDO:0014152, OMIM 615373.

Allele frequency attached by ClinVar (database versions not stated): TOPMed below 0.00001; gnomAD 0.00001; gnomAD exomes 0.00001.
gnomAD v4.1: 19 of 1,613,270 alleles (0.0012%); highest among the groups gnomAD compares: East Asian, 0.0022%; no homozygotes.

Submissions (3):

Labcorp Genetics (formerly Invitae), Labcorp
Classification: Uncertain significance for Left ventricular noncompaction 8. Last evaluated: 2023-10-06. Review status: criteria provided, single submitter. Criteria: Invitae Variant Classification Sherloc (09022015). Collection method: clinical testing. Allele origin: germline.
Comment: This sequence change replaces glycine, which is neutral and non-polar, with serine, which is neutral and polar, at codon 334 of the PRDM16 protein (p.Gly334Ser). This variant is present in population databases (no rsID available, gnomAD 0.06%). This variant has not been reported in the literature in individuals affected with PRDM16-related conditions. ClinVar contains an entry for this variant (Variation ID: 1310355). An algorithm developed to predict the effect of missense changes on protein structure and function (PolyPhen-2) suggests that this variant is likely to be tolerated. In summary, the available evidence is currently insufficient to determine the role of this variant in disease. Therefore, it has been classified as a Variant of Uncertain Significance.

Blueprint Genetics
Classification: Uncertain significance. Last evaluated: 2023-02-27. Review status: criteria provided, single submitter. Criteria: ACMG Guidelines, 2015. Collection method: clinical testing. Allele origin: germline.

GeneDx
Classification: Uncertain significance. Last evaluated: 2019-11-18. Review status: criteria provided, single submitter. Criteria: GeneDx Variant Classification Process June 2021. Collection method: clinical testing. Allele origin: germline. Affected: yes.
Comment: Has not been previously published as pathogenic or benign to our knowledge; Not observed at a significant frequency in large population cohorts (Lek et al., 2016); In silico analysis, which includes protein predictors and evolutionary conservation, supports that this variant does not alter protein structure/function